The following is an entry in ClinVar:

NM_002768.5(CHMP1A):c.277A>G (p.Thr93Ala)

Gene: CHMP1A (charged multivesicular body protein 1A; minus strand). Cytogenetic location: 16q24.3.
Variant type: single nucleotide variant.
Coding change: c.277A>G on transcript NM_002768.5 (MANE Select); coding-DNA position 277, A replaced by G.
Protein change: p.Thr93Ala; replaces threonine 93 with alanine.
Molecular consequence: missense variant. On other transcripts: non-coding transcript variant (1).
Genome position (GRCh38, 1-based): chr16:89,647,307, T>C on the plus strand (A>G on the coding strand, the complement: CHMP1A is on the minus strand). VCF-style: chr16-89647307-T-C. GRCh37 (hg19) VCF-style: chr16-89713715-T-C.
Other names: c.257A>G, p.Asp86Gly (NM_001083314.4); short protein forms D86G, T93A.
Identifiers: ClinVar variation 1032087 (VCV001032087.1), dbSNP rs953400825, ClinGen allele CA286550424.

ClinVar aggregate classification (germline): Uncertain significance (1 of 4 stars; one submission).

Conditions:
Pontocerebellar hypoplasia type 8 (PCH8). Identifiers: Orphanet 324569, MedGen C3554209, MONDO:0013990, OMIM 614961.

Allele frequency attached by ClinVar (database versions not stated): TOPMed below 0.00001.

Submission:

Baylor Genetics
Classification: Uncertain significance for Pontocerebellar hypoplasia type 8. Last evaluated: 2018-07-06. Review status: criteria provided, single submitter. Criteria: ACMG Guidelines, 2015. Collection method: clinical testing. Allele origin: maternal. Affected: yes.
Comment: This variant was determined to be of uncertain significance according to ACMG Guidelines, 2015 [PMID:25741868].